The following is an entry in ClinVar:

NM_003900.5(SQSTM1):c.206-4C>T

Gene: SQSTM1 (sequestosome 1; plus strand). Cytogenetic location: 5q35.3.
Variant type: single nucleotide variant.
Coding change: c.206-4C>T on transcript NM_003900.5 (MANE Select); 4 bases into the intron before coding-DNA position 206, C replaced by T.
Molecular consequence: intron variant.
Genome position (GRCh38, 1-based): chr5:179,822,954, C>T. VCF-style: chr5-179822954-C-T. GRCh37 (hg19) VCF-style: chr5-179249954-C-T.
Other names: c.206-4C>T (NM_003900.4); c.-47-4C>T (NM_001142298.2, NM_001142299.2).
Identifiers: ClinVar variation 1547094 (VCV001547094.9), dbSNP rs370778198, ClinGen allele CA3600413.

ClinVar aggregate classification (germline): Likely benign. Review status: criteria provided, single submitter (1 of 4 stars). 2 submissions from 2 submitters: Likely benign (1). 1 of the submissions does not count toward it. Last evaluated 2026-01-06.

Conditions:
SQSTM1-related disorder. Also called: SQSTM1-Related Disorders.
Paget disease of bone 2, early-onset (PDB2). Also called: Paget disease of bone 2. Identifiers: MedGen C4085251, MONDO:0011183, OMIM 602080.
Frontotemporal dementia and/or amyotrophic lateral sclerosis 1 (FTDALS1). Also called: C9orf72 Frontotemporal Dementia and/or Amyotrophic Lateral Sclerosis; Frontotemporal dementia with motor neuron disease 1. Identifiers: Orphanet 275872, MedGen C5779877, MONDO:0007105, OMIM 105550.

Allele frequency attached by ClinVar (database versions not stated): ExAC 0.00002; ESP Exome Variant Server 0.00008.
gnomAD v4.1: 42 of 1,613,864 alleles (0.0026%); highest among the groups gnomAD compares: Non-Finnish European, 0.0035%; no homozygotes.

Submissions (2):

Labcorp Genetics (formerly Invitae), Labcorp
Classification: Likely benign for Paget disease of bone 2, early-onset; Frontotemporal dementia and/or amyotrophic lateral sclerosis 1. Last evaluated: 2026-01-06. Review status: criteria provided, single submitter. Criteria: Invitae Variant Classification Sherloc (09022015). Collection method: clinical testing. Allele origin: germline.

PreventionGenetics, part of Exact Sciences
Classification: Likely benign for SQSTM1-related condition. Last evaluated: 2024-05-23. Review status: no assertion criteria provided. Collection method: clinical testing. Allele origin: germline. Not counted in ClinVar's aggregate classification.
Comment: This variant is classified as likely benign based on ACMG/AMP sequence variant interpretation guidelines (Richards et al. 2015 PMID: 25741868, with internal and published modifications).